The following is an entry in ClinVar:

ClinVar aggregate classification (germline): Conflicting classifications of pathogenicity. Review status: criteria provided, conflicting classifications (1 of 4 stars). 4 submissions from 4 submitters: Uncertain significance (3); Likely benign (1). Last evaluated 2024-01-18.

Conditions:
Familial sleep-related hypermotor epilepsy. Also called: Autosomal Dominant Sleep-Related Hypermotor (Hyperkinetic) Epilepsy. Identifiers: Orphanet 98784, MedGen C3696898, MONDO:0000030.
Inborn genetic diseases. Identifiers: MedGen C0950123, MeSH D030342.
Autosomal dominant nocturnal frontal lobe epilepsy 1. Also called: CHRNA4-Related Nocturnal Frontal Lobe Epilepsy, Autosomal Dominant; EPILEPSY, NOCTURNAL FRONTAL LOBE, TYPE 1. Identifiers: Orphanet 98784, MedGen C1838049, MONDO:0010899, OMIM 600513.

Allele frequency attached by ClinVar (database versions not stated): ExAC 0.00001; gnomAD exomes 0.00001 and below 0.00001.

Submissions (4):

Labcorp Genetics (formerly Invitae), Labcorp
Classification: Likely benign. Last evaluated: 2024-01-18. Review status: criteria provided, single submitter. Criteria: Invitae Variant Classification Sherloc (09022015). Collection method: clinical testing. Allele origin: germline.

Ambry Genetics
Classification: Uncertain significance for Inborn genetic diseases. Last evaluated: 2023-05-28. Review status: criteria provided, single submitter. Criteria: Ambry Variant Classification Scheme 2023. Collection method: clinical testing. Allele origin: germline.

CENTOGENE GmbH and LLC - Guiding Precision Medicine
Classification: Uncertain significance for Autosomal dominant nocturnal frontal lobe epilepsy 1. Last evaluated: 2018-01-03. Review status: criteria provided, single submitter. Criteria: ACMG Guidelines, 2015. Collection method: clinical testing. Allele origin: germline. Affected: yes.

GeneDx
Classification: Uncertain significance. Last evaluated: 2013-05-17. Review status: criteria provided, single submitter. Criteria: GeneDx Variant Classification (06012015). Collection method: clinical testing. Allele origin: germline. Affected: yes.
Comment: p.Gly307Ser (GGC>AGC): c.919 G>A in exon 5 of the CHRNA4 gene (NM_000744.5)The Gly307Ser missense change has not been published as a mutation, nor has it been reported as a benign polymorphism to our knowledge. It was not observed in approximately 6,500 individuals of European and African American ancestry in the NHLBI Exome Sequencing Project, indicating it is not a common benign variant in these populations. The amino acid substitution is non-conservative as a non-polar Glycine residue is replaced by a polar Serine residue. Gly307Ser alters a highly conserved position in the CHRNA4 protein and multiple in-silico algorithms predict it may be damaging to protein structure/function. However, this amino acid substitution does not occur within the transmembrane region of the protein, where most pathogenic missense mutations have been identified in association with epilepsy (Steinlein et al., 2010). Therefore, based on the currently available information, it is unclear whether Gly307Ser is a disease-causing mutation or a rare benign variant. The variant is found in EPILEPSY panel(s).

NM_000744.7(CHRNA4):c.919G>A (p.Gly307Ser)

Gene: CHRNA4 (cholinergic receptor nicotinic alpha 4 subunit; minus strand). Cytogenetic location: 20q13.33.
Variant type: single nucleotide variant.
Coding change: c.919G>A on transcript NM_000744.7 (MANE Select); coding-DNA position 919, G replaced by A.
Protein change: p.Gly307Ser; replaces glycine 307 with serine.
Molecular consequence: missense variant. On other transcripts: non-coding transcript variant (1).
Genome position (GRCh38, 1-based): chr20:63,350,492, C>T on the plus strand (G>A on the coding strand, the complement: CHRNA4 is on the minus strand). VCF-style: chr20-63350492-C-T. GRCh37 (hg19) VCF-style: chr20-61981844-C-T.
Other names: p.G307S:GGC>AGC; c.391G>A, p.Gly131Ser (NM_001256573.2); short protein forms G307S, G131S.
Identifiers: ClinVar variation 205019 (VCV000205019.9), dbSNP rs764586079, ClinGen allele CA313557.